The following is an entry in ClinVar:

NM_001105244.2(PTPRM):c.4095G>A (p.Pro1365=)

Gene: PTPRM (protein tyrosine phosphatase receptor type M; plus strand). Cytogenetic location: 18p11.23.
Variant type: single nucleotide variant.
Coding change: c.4095G>A on transcript NM_001105244.2 (MANE Select); coding-DNA position 4095, G replaced by A.
Protein change: p.Pro1365=; no amino-acid change (proline 1365 retained).
Molecular consequence: synonymous variant.
Genome position (GRCh38, 1-based): chr18:8,387,122, G>A. VCF-style: chr18-8387122-G-A. GRCh37 (hg19) VCF-style: chr18-8387120-G-A.
Other names: c.3417G>A, p.Pro1139= (NM_001378142.1); c.3456G>A, p.Pro1152= (NM_001378143.1); c.3492G>A, p.Pro1164= (NM_001378144.1); c.3531G>A, p.Pro1177= (NM_001378145.1); c.3507G>A, p.Pro1169= (NM_001378146.1); c.3582G>A, p.Pro1194= (NM_001378147.1); c.4056G>A, p.Pro1352= (NM_002845.4).
Identifiers: ClinVar variation 3034184 (VCV003034184.2), dbSNP rs61737158, ClinGen allele CA8884967.

ClinVar aggregate classification (germline): Benign (0 of 4 stars; one submission).

Conditions:
PTPRM-related disorder. Also called: PTPRM-related condition.

Allele frequency attached by ClinVar (database versions not stated): gnomAD exomes 0.00056; ExAC 0.00163; ESP Exome Variant Server 0.00500; gnomAD 0.00528; 1000 Genomes Project 0.00579; TOPMed 0.00609; 1000 Genomes Project 30x 0.00671.
gnomAD v4.1: 1,658 of 1,612,056 alleles (0.1%); highest among the groups gnomAD compares: African/African-American, 1.9%; 10 homozygotes.

Submission:

PreventionGenetics, part of Exact Sciences
Classification: Benign for PTPRM-related condition. Last evaluated: 2019-07-10. Review status: no assertion criteria provided. Collection method: clinical testing. Allele origin: germline.
Comment: This variant is classified as benign based on ACMG/AMP sequence variant interpretation guidelines (Richards et al. 2015 PMID: 25741868, with internal and published modifications).